The following is an entry in ClinVar:

ClinVar aggregate classification (germline): Uncertain significance (1 of 4 stars; one submission).

Allele frequency attached by ClinVar (database versions not stated): gnomAD exomes 0.00003; ExAC 0.00004; gnomAD 0.00004; TOPMed 0.00007.

Submission:

Labcorp Genetics (formerly Invitae), Labcorp
Classification: Uncertain significance. Last evaluated: 2022-06-07. Review status: criteria provided, single submitter. Criteria: Invitae Variant Classification Sherloc (09022015). Collection method: clinical testing. Allele origin: germline.
Comment: In summary, the available evidence is currently insufficient to determine the role of this variant in disease. Therefore, it has been classified as a Variant of Uncertain Significance. Experimental studies and prediction algorithms are not available or were not evaluated, and the functional significance of this variant is currently unknown. This variant has not been reported in the literature in individuals affected with MCM2-related conditions. This variant is present in population databases (rs778615925, gnomAD 0.01%). This variant, c.2071_2073del, results in the deletion of 1 amino acid(s) of the MCM2 protein (p.Lys691del), but otherwise preserves the integrity of the reading frame.

NM_004526.4(MCM2):c.2071_2073del (p.Lys691del)

Gene: MCM2 (minichromosome maintenance complex component 2; plus strand). Cytogenetic location: 3q21.3.
Variant type: Deletion.
Coding change: c.2071_2073del on transcript NM_004526.4 (MANE Select); coding-DNA positions 2071 to 2073, 3 bases deleted (AAG; older notation c.2071_2073delAAG).
Protein change: p.Lys691del; deletes lysine 691.
Molecular consequence: inframe deletion. On other transcripts: non-coding transcript variant (1).
Genome position (GRCh38, 1-based): chr3:127,619,084-127,619,086, AAG deleted. VCF-style (leftmost placement, unchanged base first): chr3-127619083-CAAG-C. GRCh37 (hg19) VCF-style: chr3-127337926-CAAG-C.
Other names: short protein forms K691del.
Identifiers: ClinVar variation 1937103 (VCV001937103.5), dbSNP rs778615925, ClinGen allele CA2596109.